The following is an entry in ClinVar:

NM_004336.5(BUB1):c.2183T>G (p.Leu728Arg)

Gene: BUB1 (BUB1 mitotic checkpoint serine/threonine kinase; minus strand). Cytogenetic location: 2q13.
Variant type: single nucleotide variant.
Coding change: c.2183T>G on transcript NM_004336.5 (MANE Select); coding-DNA position 2183, T replaced by G.
Protein change: p.Leu728Arg; replaces leucine 728 with arginine.
Molecular consequence: missense variant.
Genome position (GRCh38, 1-based): chr2:110,650,566, A>C on the plus strand (T>G on the coding strand, the complement: BUB1 is on the minus strand). VCF-style: chr2-110650566-A-C. GRCh37 (hg19) VCF-style: chr2-111408143-A-C.
Other names: c.2123T>G, p.Leu708Arg (NM_001278616.2); c.2183T>G, p.Leu728Arg (NM_001278617.2); short protein forms L708R, L728R.
Identifiers: ClinVar variation 3224037 (VCV003224037.1), dbSNP rs768662095, ClinGen allele CA348209715.

ClinVar aggregate classification (germline): Uncertain significance (1 of 4 stars; one submission).

Submission:

Ambry Genetics
Classification: Uncertain significance. Last evaluated: 2023-12-29. Review status: criteria provided, single submitter. Criteria: Ambry Variant Classification Scheme 2023. Collection method: clinical testing. Allele origin: germline.
Comment: The p.L728R variant (also known as c.2183T>G), located in coding exon 18 of the BUB1 gene, results from a T to G substitution at nucleotide position 2183. The leucine at codon 728 is replaced by arginine, an amino acid with dissimilar properties. This amino acid position is conserved. In addition, this alteration is predicted to be tolerated by in silico analysis. Since supporting evidence is limited at this time, the clinical significance of this alteration remains unclear.